The following is an entry in ClinVar:

ClinVar aggregate classification (germline): Likely pathogenic (1 of 4 stars; one submission).

Conditions:
Metaphyseal chondrodysplasia, McKusick type (CHH). Also called: Cartilage-hair hypoplasia; Cartilage-Hair Hypoplasia (CHH). Identifiers: Orphanet 175, MedGen C0220748, MONDO:0009595, OMIM 250250.

Submission:

Natera, Inc.
Classification: Likely pathogenic for Cartilage-hair hypoplasia. Last evaluated: 2025-02-07. Review status: criteria provided, single submitter. Criteria: Natera Variant Classification Schema (03/2026). Collection method: clinical testing. Allele origin: germline.
Comment: The n.-5delGinsATACTACTCTGTGAAGCTGAGA variant in RMRP is an insertion affecting the RMRP promoter region between the TATA box and the transcription initiation site. Other duplications and insertions just upstream of the transcription initiation site have been reported in individuals affected with cartilage-hair hypoplasia (PMID: 11207361, 17937437). This variant is rare in the general population with a frequency below the threshold expected for the associated phenotype(s). Given the available evidence, this variant is classified as Likely pathogenic.

Literature cited by the submitters: PubMed 11207361; PubMed 17937437.

NR_003051.3(RMRP):n.-5delGinsATACTACTCTGTGAAGCTGAGA

Gene: RMRP (RNA component of mitochondrial RNA processing endoribonuclease; minus strand). Cytogenetic location: 9p13.3.
Variant type: Indel.
Genome position: GRCh38 VCF-style: chr9-35658023-C-TCTCAGCTTCACAGAGTAGTAT. GRCh37 (hg19) VCF-style: chr9-35658020-C-TCTCAGCTTCACAGAGTAGTAT.
Identifiers: ClinVar variation 4817192 (VCV004817192.1).